The following is an entry in ClinVar:

ClinVar aggregate classification (germline): Uncertain significance (1 of 4 stars; one submission).

Submission:

Dasa
Classification: Uncertain significance. Last evaluated: 2025-09-22. Review status: criteria provided, single submitter. Criteria: DASA Assertion Criteria. Collection method: clinical testing. Allele origin: germline.
Comment: NM_006885.4(ZFHX3):c.3859A>G (p.Met1287Val) is a missense variant that results in the substitution of methionine with valine. This variant is absent from population databases. Computational prediction algorithms are consistent with a benign effect. The currently available literature and clinical evidence are not sufficient to establish a definitive association between this variant and the reported condition. Therefore, this variant is classified as a variant of uncertain significance.

NM_006885.4(ZFHX3):c.3859A>G (p.Met1287Val)

Genes: ZFHX3 (zinc finger homeobox 3; minus strand), ZFHX3-AS1 (ZFHX3 antisense RNA 1; plus strand). Cytogenetic location: 16q22.3.
Variant type: single nucleotide variant.
Coding change: c.3859A>G on transcript NM_006885.4 (MANE Select); coding-DNA position 3859, A replaced by G.
Protein change: p.Met1287Val; replaces methionine 1287 with valine.
Molecular consequence: missense variant.
Genome position (GRCh38, 1-based): chr16:72,811,582, T>C on the plus strand (A>G on the coding strand, the complement: ZFHX3 is on the minus strand). VCF-style: chr16-72811582-T-C. GRCh37 (hg19) VCF-style: chr16-72845481-T-C.
Other names: c.1117A>G, p.Met373Val (NM_001164766.2); c.3859A>G, p.Met1287Val (NM_001386735.1); short protein forms M1287V, M373V.
Identifiers: ClinVar variation 4885913 (VCV004885913.2).
Genomic context (GRCh38, chr16:72,811,582, plus strand): 5'-GCATCACCTTTGACCCTGGAGAAAGACCACAGGGTGCTGCTCCTGGCTGCCTTACCGTCA[T>C]AATGAGCTTCTCCACGCAGTCAGGTGCCACGCTGTGGAGGTGGGTGAGGTGCAGCTGGAG-3'
Protein context (NP_008816.3, residues 1277-1297): VAPDCVEKLI[Met1287Val]TVTTPEMVMP